The following is an entry in ClinVar:

NM_001868.4(CPA1):c.1178C>T (p.Ala393Val)

Gene: CPA1 (carboxypeptidase A1; plus strand). Cytogenetic location: 7q32.2.
Variant type: single nucleotide variant.
Coding change: c.1178C>T on transcript NM_001868.4 (MANE Select); coding-DNA position 1178, C replaced by T.
Protein change: p.Ala393Val; replaces alanine 393 with valine.
Molecular consequence: missense variant.
Genome position (GRCh38, 1-based): chr7:130,387,929, C>T. VCF-style: chr7-130387929-C-T. GRCh37 (hg19) VCF-style: chr7-130027770-C-T.
Other names: short protein forms A393V.
Identifiers: ClinVar variation 3496183 (VCV003496183.1).
Genomic context (GRCh38, chr7:130,387,929, plus strand): 5'-TCAAGTACTCCTTCACCTTCGAGCTCCGGGACACTGGGCGCTATGGCTTCCTGCTGCCAG[C>T]CTCCCAGATCATCCCCACAGCCAAGGAGACGTGGCTGGCGCTTCTGACCATCATGGAGCA-3'
Protein context (NP_001859.1, residues 383-403): DTGRYGFLLP[Ala393Val]SQIIPTAKET

ClinVar aggregate classification (germline): Uncertain significance (1 of 4 stars; one submission).

Conditions:
Hereditary pancreatitis (PCTT). Also called: Hereditary chronic pancreatitis; PRSS1-Related Hereditary Pancreatitis. Identifiers: Orphanet 676, MedGen C0238339, MONDO:0008185, OMIM 167800.

Submission:

Ambry Genetics
Classification: Uncertain significance for Hereditary pancreatitis. Last evaluated: 2024-07-15. Review status: criteria provided, single submitter. Criteria: Ambry Variant Classification Scheme 2023. Collection method: clinical testing. Allele origin: germline.
Comment: The p.A393V variant (also known as c.1178C>T), located in coding exon 10 of the CPA1 gene, results from a C to T substitution at nucleotide position 1178. The alanine at codon 393 is replaced by valine, an amino acid with similar properties. This amino acid position is conserved. In addition, the in silico prediction for this alteration is inconclusive. Based on the available evidence, the clinical significance of this variant remains unclear.